The following is an entry in ClinVar:

NM_053025.4(MYLK):c.2080A>C (p.Thr694Pro)

Gene: MYLK (myosin light chain kinase; minus strand). Cytogenetic location: 3q21.1.
Variant type: single nucleotide variant.
Coding change: c.2080A>C on transcript NM_053025.4 (MANE Select); coding-DNA position 2080, A replaced by C.
Protein change: p.Thr694Pro; replaces threonine 694 with proline.
Molecular consequence: missense variant.
Genome position (GRCh38, 1-based): chr3:123,708,758, T>G on the plus strand (A>C on the coding strand, the complement: MYLK is on the minus strand). VCF-style: chr3-123708758-T-G. GRCh37 (hg19) VCF-style: chr3-123427605-T-G.
Other names: c.1552A>C, p.Thr518Pro (NM_001321309.2); c.1873A>C, p.Thr625Pro (NM_053026.4, NM_053028.4); c.2080A>C, p.Thr694Pro (NM_053027.4); short protein forms T518P, T625P, T694P.
Identifiers: ClinVar variation 2447217 (VCV002447217.8), dbSNP rs2474303940, ClinGen allele CA354234315.

ClinVar aggregate classification (germline): Uncertain significance. Review status: criteria provided, multiple submitters, no conflicts (2 of 4 stars). 3 submissions from 3 submitters: Uncertain significance (3). Last evaluated 2025-04-04.

Conditions:
Aortic aneurysm, familial thoracic 7 (AAT7). Also called: AORTIC DISSECTION, FAMILIAL, WITH OR WITHOUT AORTIC ANEURYSM. Identifiers: MedGen C3151077, MONDO:0013418, OMIM 613780.
Familial thoracic aortic aneurysm and aortic dissection (TAAD). Also called: Thoracic aortic aneurysms and dissections. Identifiers: Orphanet 91387, MedGen C4707243, MONDO:0019625.

Submissions (3):

Ambry Genetics
Classification: Uncertain significance for Familial thoracic aortic aneurysm and aortic dissection. Last evaluated: 2025-04-04. Review status: criteria provided, single submitter. Criteria: Ambry Variant Classification Scheme 2023. Collection method: clinical testing. Allele origin: germline.

GeneDx
Classification: Uncertain significance. Last evaluated: 2025-02-24. Review status: criteria provided, single submitter. Criteria: GeneDx Variant Classification Process June 2021. Collection method: clinical testing. Allele origin: germline. Affected: yes.
Comment: Not observed at significant frequency in large population cohorts (gnomAD); In silico analysis supports that this missense variant has a deleterious effect on protein structure/function; Has not been previously published as pathogenic or benign to our knowledge

Labcorp Genetics (formerly Invitae), Labcorp
Classification: Uncertain significance for Aortic aneurysm, familial thoracic 7. Last evaluated: 2024-11-05. Review status: criteria provided, single submitter. Criteria: Invitae Variant Classification Sherloc (09022015). Collection method: clinical testing. Allele origin: germline.
Comment: This sequence change replaces threonine, which is neutral and polar, with proline, which is neutral and non-polar, at codon 694 of the MYLK protein (p.Thr694Pro). This variant is not present in population databases (gnomAD no frequency). This variant has not been reported in the literature in individuals affected with MYLK-related conditions. ClinVar contains an entry for this variant (Variation ID: 2447217). Invitae Evidence Modeling of protein sequence and biophysical properties (such as structural, functional, and spatial information, amino acid conservation, physicochemical variation, residue mobility, and thermodynamic stability) indicates that this missense variant is not expected to disrupt MYLK protein function with a negative predictive value of 80%. In summary, the available evidence is currently insufficient to determine the role of this variant in disease. Therefore, it has been classified as a Variant of Uncertain Significance.